The following is an entry in ClinVar:

ClinVar aggregate classification (germline): Uncertain significance (1 of 4 stars; one submission).

Conditions:
Inborn genetic diseases. Identifiers: MedGen C0950123, MeSH D030342.

Submission:

Ambry Genetics
Classification: Uncertain significance for Inborn genetic diseases. Last evaluated: 2026-04-02. Review status: criteria provided, single submitter. Criteria: Ambry Variant Classification Scheme 2023. Collection method: clinical testing. Allele origin: germline.
Comment: The p.I241T variant (also known as c.722T>C), located in coding exon 6 of the BMPR2 gene, results from a T to C substitution at nucleotide position 722. The isoleucine at codon 241 is replaced by threonine, an amino acid with similar properties. This amino acid position is conserved. In addition, this alteration is predicted to be tolerated by in silico analysis. Based on the available evidence, the clinical significance of this variant remains unclear.

NM_001204.7(BMPR2):c.722T>C (p.Ile241Thr)

Gene: BMPR2 (bone morphogenetic protein receptor type 2; plus strand). Cytogenetic location: 2q33.2.
Variant type: single nucleotide variant.
Coding change: c.722T>C on transcript NM_001204.7 (MANE Select); coding-DNA position 722, T replaced by C.
Protein change: p.Ile241Thr; replaces isoleucine 241 with threonine.
Molecular consequence: missense variant.
Genome position (GRCh38, 1-based): chr2:202,518,922, T>C. VCF-style: chr2-202518922-T-C. GRCh37 (hg19) VCF-style: chr2-203383645-T-C.
Other names: short protein forms I241T.
Identifiers: ClinVar variation 4867590 (VCV004867590.1).
Genomic context (GRCh38, chr2:202,518,922, plus strand): 5'-CCTTGGATGAGCGTCCAGTTGCTGTAAAAGTGTTTTCCTTTGCAAACCGTCAGAATTTTA[T>C]CAACGAAAAGAACATTTACAGAGTGCCTTTGATGGAACATGACAACATTGCCCGCTTTAT-3'
Protein context (NP_001195.2, residues 231-251): VFSFANRQNF[Ile241Thr]NEKNIYRVPL